The following is an entry in ClinVar:

ClinVar aggregate classification (germline): Benign/Likely benign. Review status: criteria provided, multiple submitters, no conflicts (2 of 4 stars). 4 submissions from 4 submitters: Benign (1); Likely benign (2). 1 of the submissions does not count toward it. Last evaluated 2026-01-20.

Conditions:
DDR2-related disorder. Also called: DDR2-related condition.

Allele frequency attached by ClinVar (database versions not stated): gnomAD 0.00004; gnomAD exomes 0.00007 and 0.00037; TOPMed 0.00018; ExAC 0.00035.
gnomAD v4.1: 112 of 1,614,006 alleles (0.0069%); highest among the groups gnomAD compares: Admixed American, 0.18%; no homozygotes.

Submissions (4):

Labcorp Genetics (formerly Invitae), Labcorp
Classification: Benign. Last evaluated: 2026-01-20. Review status: criteria provided, single submitter. Criteria: Invitae Variant Classification Sherloc (09022015). Collection method: clinical testing. Allele origin: germline.

ARUP Laboratories, Molecular Genetics and Genomics, ARUP Laboratories
Classification: Likely benign. Last evaluated: 2023-09-12. Review status: criteria provided, single submitter. Criteria: ARUP Molecular Germline Variant Investigation Process 2024. Collection method: clinical testing. Allele origin: germline.

Breakthrough Genomics
Classification: Likely benign. Review status: criteria provided, single submitter. Criteria: ACMG Guidelines, 2015. Collection method: not provided. Allele origin: germline. Inheritance: Autosomal recessive inheritance. Affected: yes.

PreventionGenetics, part of Exact Sciences
Classification: Likely benign for DDR2-related condition. Last evaluated: 2020-01-13. Review status: no assertion criteria provided. Collection method: clinical testing. Allele origin: germline. Not counted in ClinVar's aggregate classification.
Comment: This variant is classified as likely benign based on ACMG/AMP sequence variant interpretation guidelines (Richards et al. 2015 PMID: 25741868, with internal and published modifications).

NM_006182.4(DDR2):c.444T>C (p.Tyr148=)

Gene: DDR2 (discoidin domain receptor tyrosine kinase 2; plus strand). Cytogenetic location: 1q23.3.
Variant type: single nucleotide variant.
Coding change: c.444T>C on transcript NM_006182.4 (MANE Select); coding-DNA position 444, T replaced by C.
Protein change: p.Tyr148=; no amino-acid change (tyrosine 148 retained).
Molecular consequence: synonymous variant.
Genome position (GRCh38, 1-based): chr1:162,755,182, T>C. VCF-style: chr1-162755182-T-C. GRCh37 (hg19) VCF-style: chr1-162724972-T-C.
Other names: c.444T>C (NM_006182.2); c.444T>C, p.Tyr148= (NM_001014796.3, NM_001354982.2, NM_001354983.2).
Identifiers: ClinVar variation 1566748 (VCV001566748.12), dbSNP rs774706415, ClinGen allele CA1217249.